The following is an entry in ClinVar:

ClinVar aggregate classification (germline): Pathogenic. Review status: reviewed by expert panel (3 of 4 stars). 5 submissions from 5 submitters: Pathogenic (1). 4 of the submissions do not count toward it. Last evaluated 2017-12-15.

Conditions:
Breast-ovarian cancer, familial, susceptibility to, 2 (BROVCA2). Also called: BRCA2 Hereditary Breast and Ovarian Cancer. Identifiers: Orphanet 145, MedGen C2675520, MONDO:0012933, OMIM 612555. Disease mechanism: loss of function.
Hereditary cancer-predisposing syndrome. Also called: Hereditary Cancer Syndrome; Hereditary neoplastic syndrome; Tumor predisposition; Neoplastic Syndromes, Hereditary. Identifiers: Orphanet 140162, MedGen C0027672, MeSH D009386, MONDO:0015356.
Hereditary breast ovarian cancer syndrome. Also called: Hereditary breast and ovarian cancer syndrome; BRCA1- and BRCA2-Associated Hereditary Breast and Ovarian Cancer; Hereditary breast and ovarian cancer syndrome (HBOC); Hereditary breast and/or ovarian cancer syndrome; Hereditary breast and ovarian cancer; Breast and ovarian cancer. Identifiers: Orphanet 145, MedGen C0677776, MeSH D061325, MONDO:0003582. Disease mechanism: loss of function.

Allele frequency attached by ClinVar (database versions not stated): gnomAD exomes below 0.00001.
gnomAD v4.1: 1 of 1,614,042 alleles (0.000062%); highest among the groups gnomAD compares: Admixed American, 0.0017%; no homozygotes.

Submissions (5):

Evidence-based Network for the Interpretation of Germline Mutant Alleles (ENIGMA)
Classification: Pathogenic for Breast-ovarian cancer, familial, susceptibility to, 2. Last evaluated: 2017-12-15. Review status: reviewed by expert panel. Criteria: ENIGMA BRCA1/2 Classification Criteria (2017-06-29). Collection method: curation. Allele origin: germline. Study: ENIGMA.
Comment: Variant allele predicted to encode a truncated non-functional protein.

Labcorp Genetics (formerly Invitae), Labcorp
Classification: Pathogenic for Hereditary breast ovarian cancer syndrome. Last evaluated: 2025-06-15. Review status: criteria provided, single submitter. Criteria: Invitae Variant Classification Sherloc (09022015). Collection method: clinical testing. Allele origin: germline. Not counted in ClinVar's aggregate classification.
Comment: This sequence change creates a premature translational stop signal (p.Glu1146*) in the BRCA2 gene. It is expected to result in an absent or disrupted protein product. Loss-of-function variants in BRCA2 are known to be pathogenic (PMID: 20104584). This variant is present in population databases (no rsID available, gnomAD 0.003%). This variant has not been reported in the literature in individuals affected with BRCA2-related conditions. ClinVar contains an entry for this variant (Variation ID: 441504). For these reasons, this variant has been classified as Pathogenic.

Ambry Genetics
Classification: Pathogenic for Hereditary cancer-predisposing syndrome. Last evaluated: 2024-10-31. Review status: criteria provided, single submitter. Criteria: Ambry Variant Classification Scheme 2023. Collection method: clinical testing. Allele origin: germline. Not counted in ClinVar's aggregate classification.
Comment: The p.E1146* pathogenic mutation (also known as c.3436G>T), located in coding exon 10 of the BRCA2 gene, results from a G to T substitution at nucleotide position 3436. This changes the amino acid from a glutamic acid to a stop codon within coding exon 10. This alteration is expected to result in loss of function by premature protein truncation or nonsense-mediated mRNA decay. As such, this alteration is interpreted as a disease-causing mutation.

Color Diagnostics, LLC DBA Color Health
Classification: Pathogenic for Hereditary cancer-predisposing syndrome. Last evaluated: 2020-05-19. Review status: criteria provided, single submitter. Criteria: ACMG Guidelines, 2015. Collection method: clinical testing. Allele origin: germline. Not counted in ClinVar's aggregate classification.
Comment: This variant changes 1 nucleotide in exon 11 of the BRCA2 gene, creating a premature translation stop signal. This variant is expected to result in an absent or non-functional protein product. To our knowledge, this variant has not been reported in individuals affected with hereditary cancer in the literature. This variant has been identified in 1/251006 chromosomes in the general population by the Genome Aggregation Database (gnomAD). Loss of BRCA2 function is a known mechanism of disease. Based on the available evidence, this variant is classified as Pathogenic.

Women's Health and Genetics/Laboratory Corporation of America, LabCorp
Classification: Likely pathogenic for Hereditary breast and ovarian cancer syndrome. Last evaluated: 2017-12-15. Review status: criteria provided, single submitter. Criteria: LabCorp Variant Classification Summary - May 2015. Collection method: clinical testing. Allele origin: germline. Not counted in ClinVar's aggregate classification.
Comment: Variant summary: The BRCA2 c.3436G>T (p.Glu1146X) variant results in a premature termination codon, predicted to cause a truncated or absent BRCA2 protein due to nonsense mediated decay, which are commonly known mechanisms for disease. Truncations downstream of this position have been classified as pathogenic by our laboratory (e.g., p.Phe1182fsX1 and p.Lys1191fsX6). One in silico tool predicts a damaging outcome for this variant. This variant was found in 1/245794 control chromosomes at a frequency of 0.0000041, which does not exceed the estimated maximal expected allele frequency of a pathogenic BRCA2 variant (0.0007503). One clinical diagnostic laboratory classified this variant as pathogenic. The variant of interest has not, to our knowledge, been reported in affected individuals via publications, nor evaluated for functional impact by in vivo/vitro studies. Taken together, this variant is classified as likely pathogenic.

Literature cited by the submitters: PubMed 20104584 (cited by Labcorp Genetics (formerly Invitae), Labcorp).

NM_000059.4(BRCA2):c.3436G>T (p.Glu1146Ter)

Gene: BRCA2 (BRCA2 DNA repair associated; plus strand). Cytogenetic location: 13q13.1.
Variant type: single nucleotide variant.
Coding change: c.3436G>T on transcript NM_000059.4 (MANE Select); coding-DNA position 3436, G replaced by T.
Protein change: p.Glu1146Ter; replaces glutamic acid 1146 with a stop codon.
Molecular consequence: nonsense.
Genome position (GRCh38, 1-based): chr13:32,337,791, G>T. VCF-style: chr13-32337791-G-T. GRCh37 (hg19) VCF-style: chr13-32911928-G-T.
Other names: short protein forms E1146*.
Identifiers: ClinVar variation 441504 (VCV000441504.18), dbSNP rs1237049560, ClinGen allele CA387776599.
Genomic context (GRCh38, chr13:32,337,791, plus strand): 5'-GAATTTACTCAGTTTAGAAAACCAAGCTACATATTGCAGAAGAGTACATTTGAAGTGCCT[G>T]AAAACCAGATGACTATCTTAAAGACCACTTCTGAGGAATGCAGAGATGCTGATCTTCATG-3'